The following is an entry in ClinVar:

ClinVar aggregate classification (germline): Uncertain significance (1 of 4 stars; one submission).

Conditions:
Ehlers-Danlos syndrome, classic type, 1 (EDSCL1). Also called: Ehlers-Danlos syndrome, type 1; Ehlers-Danlos Syndrome, Classic Type, COL5A1-Related; EDS I; EHLERS-DANLOS SYNDROME, GRAVIS TYPE; EHLERS-DANLOS SYNDROME, SEVERE CLASSIC TYPE. Identifiers: MedGen C0268335, MONDO:0019567, OMIM 130000.

gnomAD v4.1: 2 of 1,612,034 alleles (0.00012%); highest among the groups gnomAD compares: South Asian, 0.0011%; no homozygotes.

Submission:

Labcorp Genetics (formerly Invitae), Labcorp
Classification: Uncertain significance for Ehlers-Danlos syndrome, classic type, 1. Last evaluated: 2019-11-28. Review status: criteria provided, single submitter. Criteria: Invitae Variant Classification Sherloc (09022015). Collection method: clinical testing. Allele origin: germline.
Comment: In summary, the available evidence is currently insufficient to determine the role of this variant in disease. Therefore, it has been classified as a Variant of Uncertain Significance. This variant has not been reported in the literature in individuals with COL5A2-related conditions. This variant is present in population databases (rs767685753, ExAC 0.006%). This sequence change replaces glycine with arginine at codon 1369 of the COL5A2 protein (p.Gly1369Arg). The glycine residue is highly conserved and there is a moderate physicochemical difference between glycine and arginine.

NM_000393.5(COL5A2):c.4105G>C (p.Gly1369Arg)

Gene: COL5A2 (collagen type V alpha 2 chain; minus strand). Cytogenetic location: 2q32.2.
Variant type: single nucleotide variant.
Coding change: c.4105G>C on transcript NM_000393.5 (MANE Select); coding-DNA position 4105, G replaced by C.
Protein change: p.Gly1369Arg; replaces glycine 1369 with arginine.
Molecular consequence: missense variant.
Genome position (GRCh38, 1-based): chr2:189,036,624, C>G on the plus strand (G>C on the coding strand, the complement: COL5A2 is on the minus strand). VCF-style: chr2-189036624-C-G. GRCh37 (hg19) VCF-style: chr2-189901350-C-G.
Other names: short protein forms G1369R.
Identifiers: ClinVar variation 856018 (VCV000856018.11), dbSNP rs767685753, ClinGen allele CA2021860.